The following is an entry in ClinVar:

ClinVar aggregate classification (germline): Pathogenic. Review status: criteria provided, multiple submitters, no conflicts (2 of 4 stars). 2 submissions from 2 submitters: Pathogenic (2). Last evaluated 2023-06-16.

Conditions:
Granulomatous disease, chronic, X-linked. Also called: CYTOCHROME b-NEGATIVE GRANULOMATOUS DISEASE, CHRONIC, X-LINKED; GRANULOMATOUS DISEASE, CHRONIC, X-LINKED, SOMATIC MOSAIC. Identifiers: Orphanet 379, MedGen C1844376, MONDO:0010600, OMIM 306400.

Submissions (2):

Labcorp Genetics (formerly Invitae), Labcorp
Classification: Pathogenic for Granulomatous disease, chronic, X-linked. Last evaluated: 2023-06-16. Review status: criteria provided, single submitter. Criteria: Invitae Variant Classification Sherloc (09022015). Collection method: clinical testing. Allele origin: germline.
Comment: This missense change has been observed in individual(s) with chronic granulomatous disease (PMID: 18546332, 29560547). In at least one individual the variant was observed to be de novo. Advanced modeling of protein sequence and biophysical properties (such as structural, functional, and spatial information, amino acid conservation, physicochemical variation, residue mobility, and thermodynamic stability) performed at Invitae indicates that this missense variant is expected to disrupt CYBB protein function. This variant disrupts the p.Asp500 amino acid residue in CYBB. Other variant(s) that disrupt this residue have been determined to be pathogenic (PMID: 18546332, 22125116; Invitae). This suggests that this residue is clinically significant, and that variants that disrupt this residue are likely to be disease-causing. For these reasons, this variant has been classified as Pathogenic. This variant is not present in population databases (gnomAD no frequency). This sequence change replaces aspartic acid, which is acidic and polar, with tyrosine, which is neutral and polar, at codon 500 of the CYBB protein (p.Asp500Tyr).

GeneDx
Classification: Pathogenic. Last evaluated: 2023-03-28. Review status: criteria provided, single submitter. Criteria: GeneDx Variant Classification Process June 2021. Collection method: clinical testing. Allele origin: germline. Affected: yes.
Comment: Not observed at significant frequency in large population cohorts (gnomAD); In silico analysis supports that this missense variant has a deleterious effect on protein structure/function; This variant is associated with the following publications: (PMID: 18546332, 15577746, 29560547)

Literature cited by the submitters: PubMed 18546332 (cited by Labcorp Genetics (formerly Invitae), Labcorp); PubMed 29560547 (cited by Labcorp Genetics (formerly Invitae), Labcorp); PubMed 22125116 (cited by Labcorp Genetics (formerly Invitae), Labcorp).

NM_000397.4(CYBB):c.1498G>T (p.Asp500Tyr)

Gene: CYBB (cytochrome b-245 beta chain; plus strand). Cytogenetic location: Xp11.4.
Variant type: single nucleotide variant.
Coding change: c.1498G>T on transcript NM_000397.4 (MANE Select); coding-DNA position 1498, G replaced by T.
Protein change: p.Asp500Tyr; replaces aspartic acid 500 with tyrosine.
Molecular consequence: missense variant.
Genome position (GRCh38, 1-based): chrX:37,809,603, G>T. VCF-style: chrX-37809603-G-T. GRCh37 (hg19) VCF-style: chrX-37668856-G-T.
Other names: short protein forms D500Y.
Identifiers: ClinVar variation 2581828 (VCV002581828.4), dbSNP rs886039563, ClinGen allele CA412978418.
Genomic context (GRCh38, chrX:37,809,603, plus strand): 5'-CTGAATTCATGTCCTTTCCTGTAGGCCAATCACTTTGCTGTGCACCATGATGAGGAGAAA[G>T]ATGTGATCACAGGCCTGAAACAAAAGACTTTGTATGGACGGCCCAACTGGGATAATGAAT-3'
Protein context (NP_000388.2, residues 490-510): HFAVHHDEEK[Asp500Tyr]VITGLKQKTL